The following is an entry in ClinVar:

ClinVar aggregate classification (germline): Likely pathogenic (1 of 4 stars; one submission).

Submission:

Labcorp Genetics (formerly Invitae), Labcorp
Classification: Likely pathogenic. Last evaluated: 2025-04-17. Review status: criteria provided, single submitter. Criteria: Invitae Variant Classification Sherloc (09022015). Collection method: clinical testing. Allele origin: germline.
Comment: This sequence change replaces glycine, which is neutral and non-polar, with serine, which is neutral and polar, at codon 903 of the COL2A1 protein (p.Gly903Ser). This variant is not present in population databases (gnomAD no frequency). This missense change has been observed in individual(s) with congenital spondylo-epiphyseal dysplasia (PMID: 22791362). ClinVar contains an entry for this variant (Variation ID: 2735843). Invitae Evidence Modeling of protein sequence and biophysical properties (such as structural, functional, and spatial information, amino acid conservation, physicochemical variation, residue mobility, and thermodynamic stability) indicates that this missense variant is expected to disrupt COL2A1 protein function with a positive predictive value of 95%. This variant disrupts the triple helix domain of COL2A1. Glycine residues within the Gly-Xaa-Yaa repeats of the triple helix domain are required for the structure and stability of fibrillar collagens (PMID: 7695699, 8218237, 19344236). In COL2A1, variants affecting these glycine residues are significantly enriched in individuals with disease (PMID: 9016532, 17078022) compared to the general population (ExAC). In summary, the currently available evidence indicates that the variant is pathogenic, but additional data are needed to prove that conclusively. Therefore, this variant has been classified as Likely Pathogenic.

Literature cited by the submitters: PubMed 22791362; PubMed 7695699; PubMed 8218237; PubMed 19344236; PubMed 9016532; PubMed 17078022.

NM_001844.5(COL2A1):c.2707G>A (p.Gly903Ser)

Gene: COL2A1 (collagen type II alpha 1 chain; minus strand). Cytogenetic location: 12q13.11.
Variant type: single nucleotide variant.
Coding change: c.2707G>A on transcript NM_001844.5 (MANE Select); coding-DNA position 2707, G replaced by A.
Protein change: p.Gly903Ser; replaces glycine 903 with serine.
Molecular consequence: missense variant.
Genome position (GRCh38, 1-based): chr12:47,979,537, C>T on the plus strand (G>A on the coding strand, the complement: COL2A1 is on the minus strand). VCF-style: chr12-47979537-C-T. GRCh37 (hg19) VCF-style: chr12-48373320-C-T.
Other names: c.2500G>A, p.Gly834Ser (NM_033150.3); short protein forms G834S, G903S.
Identifiers: ClinVar variation 2735843 (VCV002735843.3), dbSNP rs2540116801, ClinGen allele CA384543889.